The following is an entry in ClinVar:

NM_001351169.2(NT5C2):c.219T>C (p.Thr73=)

Gene: NT5C2 (5'-nucleotidase, cytosolic II; minus strand). Cytogenetic location: 10q24.33.
Variant type: single nucleotide variant.
Coding change: c.219T>C on transcript NM_001351169.2 (MANE Select); coding-DNA position 219, T replaced by C.
Protein change: p.Thr73=; no amino-acid change (threonine 73 retained).
Molecular consequence: synonymous variant. On other transcripts: 5 prime UTR variant (22).
Genome position (GRCh38, 1-based): chr10:103,106,663, A>G on the plus strand (T>C on the coding strand, the complement: NT5C2 is on the minus strand). VCF-style: chr10-103106663-A-G. GRCh37 (hg19) VCF-style: chr10-104866420-A-G.
Other names: c.219T>C, p.Thr73= (NM_001134373.3, NM_001351170.2, NM_001351171.2 and 3 more transcripts); c.132T>C, p.Thr44= (NM_001351174.1); c.126T>C, p.Thr42= (NM_001351175.2); c.-355T>C (NM_001351176.2, NM_001351177.2, NM_001351183.2 and 2 more transcripts); c.-379T>C (NM_001351178.2, NM_001351193.1); c.-547T>C (NM_001351179.2, NM_001351180.2, NM_001351182.2 and 3 more transcripts); c.-263T>C (NM_001351181.2, NM_001351191.1); c.-568T>C (NM_001351185.2); and 5 more.
Identifiers: ClinVar variation 2420110 (VCV002420110.8), dbSNP rs146517994, ClinGen allele CA5671158.

ClinVar aggregate classification (germline): Likely benign. Review status: criteria provided, multiple submitters, no conflicts (2 of 4 stars). 2 submissions from 2 submitters: Likely benign (2). Last evaluated 2026-07-01.

Conditions:
Hereditary spastic paraplegia 45. Also called: SPASTIC PARAPLEGIA 45; Spastic paraplegia 45, autosomal recessive. Identifiers: Orphanet 320396, MedGen C3888209, MONDO:0013165, OMIM 613162.

Allele frequency attached by ClinVar (database versions not stated): gnomAD exomes 0.00006; gnomAD 0.00009; ExAC 0.00010; TOPMed 0.00010; ESP Exome Variant Server 0.00023.
gnomAD v4.1: 115 of 1,613,784 alleles (0.0071%); highest among the groups gnomAD compares: Non-Finnish European, 0.0018%; no homozygotes.

Submissions (2):

CeGaT Center for Human Genetics Tuebingen
Classification: Likely benign. Last evaluated: 2026-07-01. Review status: criteria provided, single submitter. Criteria: CeGaT Center For Human Genetics Tuebingen Variant Classification Criteria Version 2. Collection method: clinical testing. Allele origin: germline. Affected: yes. Observed: 1 variant allele.
Comment: NT5C2: BP4, BP7

Labcorp Genetics (formerly Invitae), Labcorp
Classification: Likely benign for Hereditary spastic paraplegia 45. Last evaluated: 2022-07-13. Review status: criteria provided, single submitter. Criteria: Invitae Variant Classification Sherloc (09022015). Collection method: clinical testing. Allele origin: germline.